The following is an entry in ClinVar:

ClinVar aggregate classification (germline): Benign (1 of 4 stars; one submission).

Submission:

GeneDx
Classification: Benign. Last evaluated: 2018-06-19. Review status: criteria provided, single submitter. Criteria: GeneDx Variant Classification (06012015). Collection method: clinical testing. Allele origin: germline. Affected: yes.
Comment: This variant is considered likely benign or benign based on one or more of the following criteria: it is a conservative change, it occurs at a poorly conserved position in the protein, it is predicted to be benign by multiple in silico algorithms, and/or has population frequency not consistent with disease.

NM_020822.3(KCNT1):c.1510+206_1510+245del

Gene: KCNT1 (potassium sodium-activated channel subfamily T member 1; plus strand). Cytogenetic location: 9q34.3.
Variant type: Deletion.
Coding change: c.1510+206_1510+245del on transcript NM_020822.3 (MANE Select); bases 206 to 245 of the intron after coding-DNA position 1510, 40 bases deleted.
Molecular consequence: intron variant.
Genome position (GRCh38, 1-based): chr9:135,769,143-135,769,182, 40 bases deleted; deleting any 40 consecutive bases within chr9:135,769,121-135,769,182 gives the same sequence; the c. name uses the placement nearest the transcript's 3' end. GRCh37 (hg19): chr9:138,660,989-138,661,028.
Other names: c.1375+206_1375+245del (NM_001272003.2).
Identifiers: ClinVar variation 682101 (VCV000682101.1), dbSNP rs778034391, ClinGen allele CA201472169.